The following is an entry in ClinVar:

NM_000486.6(AQP2):c.337C>T (p.Arg113Cys)

Gene: AQP2 (aquaporin 2; plus strand). Cytogenetic location: 12q13.12.
Variant type: single nucleotide variant.
Coding change: c.337C>T on transcript NM_000486.6 (MANE Select); coding-DNA position 337, C replaced by T.
Protein change: p.Arg113Cys; replaces arginine 113 with cysteine.
Molecular consequence: missense variant.
Genome position (GRCh38, 1-based): chr12:49,951,167, C>T. VCF-style: chr12-49951167-C-T. GRCh37 (hg19) VCF-style: chr12-50344950-C-T.
Other names: short protein forms R113C.
Identifiers: ClinVar variation 3574912 (VCV003574912.3).

ClinVar aggregate classification (germline): Conflicting classifications of pathogenicity. Review status: criteria provided, conflicting classifications (1 of 4 stars). 2 submissions from 2 submitters: Likely pathogenic (1); Uncertain significance (1). Last evaluated 2024-05-02.

Conditions:
Diabetes insipidus, nephrogenic, autosomal (NDI2). Also called: Nephrogenic Diabetes Insipidus, Type II; Diabetes insipidus, nephrogenic, 2, autosomal. Identifiers: Orphanet 223, MedGen C1563706, MONDO:0007451, OMIM 125800.

Submissions (2):

Labcorp Genetics (formerly Invitae), Labcorp
Classification: Uncertain significance. Last evaluated: 2024-05-02. Review status: criteria provided, single submitter. Criteria: Invitae Variant Classification Sherloc (09022015). Collection method: clinical testing. Allele origin: germline.
Comment: This sequence change replaces arginine, which is basic and polar, with cysteine, which is neutral and slightly polar, at codon 113 of the AQP2 protein (p.Arg113Cys). This variant is present in population databases (rs549442099, gnomAD 0.006%). This variant has not been reported in the literature in individuals affected with AQP2-related conditions. Advanced modeling of protein sequence and biophysical properties (such as structural, functional, and spatial information, amino acid conservation, physicochemical variation, residue mobility, and thermodynamic stability) performed at Invitae indicates that this missense variant is expected to disrupt AQP2 protein function with a positive predictive value of 80%. In summary, the available evidence is currently insufficient to determine the role of this variant in disease. Therefore, it has been classified as a Variant of Uncertain Significance.

Fulgent Genetics
Classification: Likely pathogenic for Diabetes insipidus, nephrogenic, autosomal. Last evaluated: 2024-04-29. Review status: criteria provided, single submitter. Criteria: ACMG Guidelines, 2015. Collection method: clinical testing. Allele origin: germline.